The following is an entry in ClinVar:

ClinVar aggregate classification (germline): Uncertain significance (1 of 4 stars; one submission).

Conditions:
Epileptic encephalopathy. Identifiers: MedGen C0543888, HP:0200134.

Allele frequency attached by ClinVar (database versions not stated): gnomAD exomes 0.00003; TOPMed 0.00005; 1000 Genomes Project 0.00020; 1000 Genomes Project 30x 0.00031.
gnomAD v4.1: 24 of 1,607,520 alleles (0.0015%); highest among the groups gnomAD compares: East Asian, 0.016%; no homozygotes.

Submission:

Labcorp Genetics (formerly Invitae), Labcorp
Classification: Uncertain significance for Epileptic encephalopathy. Last evaluated: 2019-08-23. Review status: criteria provided, single submitter. Criteria: Invitae Variant Classification Sherloc (09022015). Collection method: clinical testing. Allele origin: germline.
Comment: In summary, the available evidence is currently insufficient to determine the role of this variant in disease. Therefore, it has been classified as a Variant of Uncertain Significance. Nucleotide substitutions within the consensus splice site are a relatively common cause of aberrant splicing (PMID: 17576681, 9536098). Algorithms developed to predict the effect of sequence changes on RNA splicing suggest that this variant is not likely to affect RNA splicing, but this prediction has not been confirmed by published transcriptional studies. This variant has not been reported in the literature in individuals with RYR3-related conditions. This variant is present in population databases (rs201894323, ExAC 0.02%). This sequence change falls in intron 98 of the RYR3 gene. It does not directly change the encoded amino acid sequence of the RYR3 protein, but it affects a nucleotide within the consensus splice site of the intron.

Literature cited by the submitters: PubMed 17576681; PubMed 9536098.

NM_001036.6(RYR3):c.14007+4T>C

Genes: AVEN (apoptosis and caspase activation inhibitor; minus strand), RYR3 (ryanodine receptor 3; plus strand). Cytogenetic location: 15q14.
Variant type: single nucleotide variant.
Coding change: c.14007+4T>C on transcript NM_001036.6 (MANE Select); 4 bases into the intron after coding-DNA position 14007, T replaced by C.
Molecular consequence: intron variant.
Genome position (GRCh38, 1-based): chr15:33,854,916, T>C. VCF-style: chr15-33854916-T-C. GRCh37 (hg19) VCF-style: chr15-34147117-T-C.
Other names: c.13992+4T>C (NM_001243996.4).
Identifiers: ClinVar variation 959740 (VCV000959740.10), dbSNP rs201894323, ClinGen allele CA7461848.